The following is an entry in ClinVar:

NM_013444.4(UBQLN2):c.814T>C (p.Tyr272His)

Gene: UBQLN2 (ubiquilin 2; plus strand). Cytogenetic location: Xp11.21.
Variant type: single nucleotide variant.
Coding change: c.814T>C on transcript NM_013444.4 (MANE Select); coding-DNA position 814, T replaced by C.
Protein change: p.Tyr272His; replaces tyrosine 272 with histidine.
Molecular consequence: missense variant.
Genome position (GRCh38, 1-based): chrX:56,564,687, T>C. VCF-style: chrX-56564687-T-C. GRCh37 (hg19) VCF-style: chrX-56591120-T-C.
Other names: short protein forms Y272H.
Identifiers: ClinVar variation 4776816 (VCV004776816.1).

ClinVar aggregate classification (germline): Uncertain significance (1 of 4 stars; one submission).

Conditions:
Amyotrophic lateral sclerosis type 15. Also called: AMYOTROPHIC LATERAL SCLEROSIS 15 WITH FRONTOTEMPORAL DEMENTIA. Identifiers: Orphanet 803, MedGen C3275459, MONDO:0010459, OMIM 300857.

Submission:

Labcorp Genetics (formerly Invitae), Labcorp
Classification: Uncertain significance for Amyotrophic lateral sclerosis type 15. Last evaluated: 2025-02-13. Review status: criteria provided, single submitter. Criteria: Invitae Variant Classification Sherloc (09022015). Collection method: clinical testing. Allele origin: germline.
Comment: This sequence change replaces tyrosine, which is neutral and polar, with histidine, which is basic and polar, at codon 272 of the UBQLN2 protein (p.Tyr272His). This variant is not present in population databases (gnomAD no frequency). This variant has not been reported in the literature in individuals affected with UBQLN2-related conditions. Invitae Evidence Modeling of protein sequence and biophysical properties (such as structural, functional, and spatial information, amino acid conservation, physicochemical variation, residue mobility, and thermodynamic stability) has been performed for this missense variant. However, the output from this modeling did not meet the statistical confidence thresholds required to predict the impact of this variant on UBQLN2 protein function. In summary, the available evidence is currently insufficient to determine the role of this variant in disease. Therefore, it has been classified as a Variant of Uncertain Significance.